The following is an entry in ClinVar:

ClinVar aggregate classification (germline): Uncertain significance (1 of 4 stars; one submission).

Conditions:
Dilated cardiomyopathy 1D. Identifiers: Orphanet 154, Orphanet 54260, MedGen C1832243, MONDO:0011095, OMIM 601494.
Hypertrophic cardiomyopathy 2. Also called: TNNT2-Related Familial Hypertrophic Cardiomyopathy. Identifiers: MedGen C1861864, MONDO:0007266, OMIM 115195.
Cardiomyopathy, familial restrictive, 3. Identifiers: Orphanet 75249, MedGen C2676271, MONDO:0012900, OMIM 612422.

Submission:

Labcorp Genetics (formerly Invitae), Labcorp
Classification: Uncertain significance for Cardiomyopathy, familial restrictive, 3; Hypertrophic cardiomyopathy 2; Dilated cardiomyopathy 1D. Last evaluated: 2025-12-19. Review status: criteria provided, single submitter. Criteria: Invitae Variant Classification Sherloc (09022015). Collection method: clinical testing. Allele origin: germline.
Comment: This sequence change replaces glutamic acid, which is acidic and polar, with aspartic acid, which is acidic and polar, at codon 51 of the TNNT2 protein (p.Glu51Asp). This variant is not present in population databases (gnomAD no frequency). This variant has not been reported in the literature in individuals affected with TNNT2-related conditions. Invitae Evidence Modeling of protein sequence and biophysical properties (such as structural, functional, and spatial information, amino acid conservation, physicochemical variation, residue mobility, and thermodynamic stability) indicates that this missense variant is not expected to disrupt TNNT2 protein function with a negative predictive value of 80%. In summary, the available evidence is currently insufficient to determine the role of this variant in disease. Therefore, it has been classified as a Variant of Uncertain Significance.

NM_001276345.2(TNNT2):c.183A>C (p.Glu61Asp)

Gene: TNNT2 (troponin T2, cardiac type; minus strand). Cytogenetic location: 1q32.1.
Variant type: single nucleotide variant.
Coding change: c.183A>C on transcript NM_001276345.2 (MANE Select); coding-DNA position 183, A replaced by C.
Protein change: p.Glu61Asp; replaces glutamic acid 61 with aspartic acid.
Molecular consequence: missense variant.
Genome position (GRCh38, 1-based): chr1:201,367,787, T>G on the plus strand (A>C on the coding strand, the complement: TNNT2 is on the minus strand). VCF-style: chr1-201367787-T-G. GRCh37 (hg19) VCF-style: chr1-201336915-T-G.
Other names: c.183A>C, p.Glu61Asp (NM_000364.4, NM_001406723.1); c.153A>C, p.Glu51Asp (NM_001001430.3, NM_001001431.3, NM_001276347.2 and 3 more transcripts); c.138A>C, p.Glu46Asp (NM_001001432.3, NM_001406728.1); c.180A>C, p.Glu60Asp (NM_001276346.2); c.150A>C, p.Glu50Asp (NM_001406725.1); short protein forms E46D, E61D, E60D, E50D, E51D.
Identifiers: ClinVar variation 4790905 (VCV004790905.1).